The following is an entry in ClinVar:

NM_017514.5(PLXNA3):c.1104G>A (p.Leu368=)

Gene: PLXNA3 (plexin A3; plus strand). Cytogenetic location: Xq28.
Variant type: single nucleotide variant.
Coding change: c.1104G>A on transcript NM_017514.5 (MANE Select); coding-DNA position 1104, G replaced by A.
Protein change: p.Leu368=; no amino-acid change (leucine 368 retained).
Molecular consequence: synonymous variant.
Genome position (GRCh38, 1-based): chrX:154,461,608, G>A. VCF-style: chrX-154461608-G-A. GRCh37 (hg19) VCF-style: chrX-153689948-G-A.
Identifiers: ClinVar variation 3355489 (VCV003355489.1).

ClinVar aggregate classification (germline): Likely benign (0 of 4 stars; one submission).

Conditions:
PLXNA3-related disorder. Also called: PLXNA3-related condition.

gnomAD v4.1: 56 of 1,198,429 alleles (0.0047%); highest among the groups gnomAD compares: Non-Finnish European, 0.0062%; no homozygotes.

Submission:

PreventionGenetics, part of Exact Sciences
Classification: Likely benign for PLXNA3-related condition. Last evaluated: 2024-03-08. Review status: no assertion criteria provided. Collection method: clinical testing. Allele origin: germline.
Comment: This variant is classified as likely benign based on ACMG/AMP sequence variant interpretation guidelines (Richards et al. 2015 PMID: 25741868, with internal and published modifications).